The following is an entry in ClinVar:

NM_001126108.2(SLC12A3):c.2924+6T>C

Gene: SLC12A3 (solute carrier family 12 member 3; plus strand). Cytogenetic location: 16q13.
Variant type: single nucleotide variant.
Coding change: c.2924+6T>C on transcript NM_001126108.2 (MANE Select); 6 bases into the intron after coding-DNA position 2924, T replaced by C.
Molecular consequence: intron variant.
Genome position (GRCh38, 1-based): chr16:56,904,468, T>C. VCF-style: chr16-56904468-T-C. GRCh37 (hg19) VCF-style: chr16-56938380-T-C.
Other names: NP_000330.3:p.?; c.2951+6T>C (NM_000339.3); c.2948+6T>C (NM_001126107.2); c.2921+6T>C (NM_001410896.1).
Identifiers: ClinVar variation 3581077 (VCV003581077.2).

ClinVar aggregate classification (germline): Conflicting classifications of pathogenicity. Review status: criteria provided, conflicting classifications (1 of 4 stars). 2 submissions from 2 submitters: Likely pathogenic (1); Uncertain significance (1). Last evaluated 2025-01-01.

Conditions:
Familial hypokalemia-hypomagnesemia (GTLMNS). Also called: HYPOMAGNESEMIA-HYPOKALEMIA, PRIMARY RENOTUBULAR, WITH HYPOCALCIURIA; POTASSIUM AND MAGNESIUM DEPLETION; gitelman syndrome. Identifiers: Orphanet 358, MedGen C0268450, MONDO:0009904, OMIM 263800.

Submissions (2):

Clinical Genetics Unit, University of Padua
Classification: Likely pathogenic for Familial hypokalemia-hypomagnesemia. Last evaluated: 2025-01-01. Review status: criteria provided, single submitter. Criteria: ACMG Guidelines, 2015. Collection method: clinical testing. Allele origin: germline. Affected: yes. Observed: 1 variant allele.
Comment: This variant has a damaging effect according to a functional splicing assay (PS3); it is not present in gnomAD (PM2); interpretation software (Franklin) predicted a deleterious effect (PP3).

Fulgent Genetics
Classification: Uncertain significance for Familial hypokalemia-hypomagnesemia. Last evaluated: 2024-02-29. Review status: criteria provided, single submitter. Criteria: ACMG Guidelines, 2015. Collection method: clinical testing. Allele origin: germline.